The following is an entry in ClinVar:

NM_006206.6(PDGFRA):c.2563-5T>C

Gene: PDGFRA (platelet derived growth factor receptor alpha; plus strand). Cytogenetic location: 4q12.
Variant type: single nucleotide variant.
Coding change: c.2563-5T>C on transcript NM_006206.6 (MANE Select); 5 bases into the intron before coding-DNA position 2563, T replaced by C.
Molecular consequence: intron variant.
Genome position (GRCh38, 1-based): chr4:54,287,425, T>C. VCF-style: chr4-54287425-T-C. GRCh37 (hg19) VCF-style: chr4-55153592-T-C.
Other names: c.2638-5T>C (NM_001347828.2); c.2563-5T>C (NM_001347829.2); c.2602-5T>C (NM_001347830.2).
Identifiers: ClinVar variation 765972 (VCV000765972.12), dbSNP rs1577744410, ClinGen allele CA915943062.
Genomic context (GRCh38, chr4:54,287,425, plus strand): 5'-ATTTCCACTGCTGTGGATCATCAGTGAGTAGACATGGGTTTAACTGTCTCCCTCCTTCCT[T>C]GCAGACCTTTCTGCCCGTGAAGTGGATGGCTCCTGAGAGCATCTTTGACAACCTCTACAC-3'

ClinVar aggregate classification (germline): Conflicting classifications of pathogenicity. Review status: criteria provided, conflicting classifications (1 of 4 stars). 2 submissions from 2 submitters: Uncertain significance (1); Likely benign (1). Last evaluated 2025-01-17.

Conditions:
Gastrointestinal stromal tumor. Also called: Gastrointestinal stromal tumor, somatic; Gastrointestinal stroma tumor. Identifiers: Orphanet 44890, MedGen C0238198, MeSH D046152, MONDO:0011719, OMIM 606764, HP:0100723.
Hereditary cancer-predisposing syndrome. Also called: Neoplastic Syndromes, Hereditary; Hereditary Cancer Syndrome; Hereditary neoplastic syndrome; Tumor predisposition. Identifiers: Orphanet 140162, MedGen C0027672, MeSH D009386, MONDO:0015356.

Submissions (2):

Labcorp Genetics (formerly Invitae), Labcorp
Classification: Likely benign for Gastrointestinal stromal tumor. Last evaluated: 2025-01-17. Review status: criteria provided, single submitter. Criteria: Invitae Variant Classification Sherloc (09022015). Collection method: clinical testing. Allele origin: germline.

Ambry Genetics
Classification: Uncertain significance for Hereditary cancer-predisposing syndrome. Last evaluated: 2025-01-10. Review status: criteria provided, single submitter. Criteria: Ambry Variant Classification Scheme 2023. Collection method: clinical testing. Allele origin: germline.
Comment: The c.2563-5T>C intronic variant results from a T to C substitution 5 nucleotides upstream from coding exon 18 in the PDGFRA gene. This nucleotide position is not well conserved in available vertebrate species. In silico splice site analysis predicts that this alteration will not have any significant effect on splicing. Based on the available evidence, the clinical significance of this variant remains unclear.